The following is an entry in ClinVar:

NM_000428.3(LTBP2):c.3389G>A (p.Gly1130Asp)

Gene: LTBP2 (latent transforming growth factor beta binding protein 2; minus strand). Cytogenetic location: 14q24.3.
Variant type: single nucleotide variant.
Coding change: c.3389G>A on transcript NM_000428.3 (MANE Select); coding-DNA position 3389, G replaced by A.
Protein change: p.Gly1130Asp; replaces glycine 1130 with aspartic acid.
Molecular consequence: missense variant.
Genome position (GRCh38, 1-based): chr14:74,509,252, C>T on the plus strand (G>A on the coding strand, the complement: LTBP2 is on the minus strand). VCF-style: chr14-74509252-C-T. GRCh37 (hg19) VCF-style: chr14-74975955-C-T.
Other names: c.3389G>A (NM_000428.2); short protein forms G1130D.
Identifiers: ClinVar variation 1416879 (VCV001416879.4), dbSNP rs777807591, ClinGen allele CA7269195.
Genomic context (GRCh38, chr14:74,509,252, plus strand): 5'-AGAGGGGGCATCCCATTTGTATCCTCTCCCACACAGAGGCTCATACCTTCACAGGAGTCA[C>T]CCAGGGGGCTGGGCCGGTAGCCCCCATCGCAGTCCTTGCAGGAGAAGGAGCCAGCCGTGT-3'
Protein context (NP_000419.1, residues 1120-1140): CDGGYRPSPL[Gly1130Asp]DSCEDVDECE

ClinVar aggregate classification (germline): Uncertain significance. Review status: criteria provided, multiple submitters, no conflicts (2 of 4 stars). 2 submissions from 2 submitters: Uncertain significance (2). Last evaluated 2025-09-26.

Conditions:
Inborn genetic diseases. Identifiers: MedGen C0950123, MeSH D030342.

Allele frequency attached by ClinVar (database versions not stated): ExAC 0.00001; gnomAD exomes 0.00001 and 0.00002; gnomAD 0.00001.
gnomAD v4.1: 33 of 1,613,540 alleles (0.002%); highest among the groups gnomAD compares: Non-Finnish European, 0.0025%; no homozygotes.

Submissions (2):

Ambry Genetics
Classification: Uncertain significance for Inborn genetic diseases. Last evaluated: 2025-09-26. Review status: criteria provided, single submitter. Criteria: Ambry Variant Classification Scheme 2023. Collection method: clinical testing. Allele origin: germline.

Labcorp Genetics (formerly Invitae), Labcorp
Classification: Uncertain significance. Last evaluated: 2022-06-11. Review status: criteria provided, single submitter. Criteria: Invitae Variant Classification Sherloc (09022015). Collection method: clinical testing. Allele origin: germline.
Comment: This sequence change replaces glycine, which is neutral and non-polar, with aspartic acid, which is acidic and polar, at codon 1130 of the LTBP2 protein (p.Gly1130Asp). This variant is present in population databases (rs777807591, gnomAD 0.003%). This variant has not been reported in the literature in individuals affected with LTBP2-related conditions. Algorithms developed to predict the effect of missense changes on protein structure and function (SIFT, PolyPhen-2, Align-GVGD) all suggest that this variant is likely to be disruptive. In summary, the available evidence is currently insufficient to determine the role of this variant in disease. Therefore, it has been classified as a Variant of Uncertain Significance.